The following is an entry in ClinVar:

NM_001080449.3(DNA2):c.295T>C (p.Leu99=)

Gene: DNA2 (DNA replication helicase/nuclease 2; minus strand). Cytogenetic location: 10q21.3.
Variant type: single nucleotide variant.
Coding change: c.295T>C on transcript NM_001080449.3 (MANE Select); coding-DNA position 295, T replaced by C.
Protein change: p.Leu99=; no amino-acid change (leucine 99 retained).
Molecular consequence: synonymous variant. On other transcripts: non-coding transcript variant (1).
Genome position (GRCh38, 1-based): chr10:68,468,269, A>G on the plus strand (T>C on the coding strand, the complement: DNA2 is on the minus strand). VCF-style: chr10-68468269-A-G. GRCh37 (hg19) VCF-style: chr10-70228026-A-G.
Other names: p.Leu99=.
Identifiers: ClinVar variation 382984 (VCV000382984.15), dbSNP rs140077857, ClinGen allele CA5525327.

ClinVar aggregate classification (germline): Benign/Likely benign. Review status: criteria provided, multiple submitters, no conflicts (2 of 4 stars). 5 submissions from 5 submitters: Benign (3); Likely benign (1). 1 of the submissions does not count toward it. Last evaluated 2026-02-01.

Conditions:
DNA2-related disorder. Also called: DNA2-related condition.
Mitochondrial DNA deletion syndrome with progressive myopathy. Also called: Progressive external ophthalmoplegia with mitochondrial DNA deletions, autosomal dominant 6; PROGRESSIVE EXTERNAL OPHTHALMOPLEGIA, AUTOSOMAL DOMINANT 6. Identifiers: Orphanet 352470, MedGen C3554599, MONDO:0014062, OMIM 615156.
Seckel syndrome 8 (SCKL8). Identifiers: Orphanet 808, MedGen C3891452, MONDO:0014350, OMIM 615807.

Allele frequency attached by ClinVar (database versions not stated): gnomAD exomes 0.00063 and 0.00167; ExAC 0.00211; gnomAD 0.00636 and 0.00675; ESP Exome Variant Server 0.00647; 1000 Genomes Project 0.00679; 1000 Genomes Project 30x 0.00687; TOPMed 0.00792.
gnomAD v4.1: 1,928 of 1,609,006 alleles (0.12%); highest among the groups gnomAD compares: African/African-American, 2.2%; 17 homozygotes.

Submissions (5):

Labcorp Genetics (formerly Invitae), Labcorp
Classification: Benign. Last evaluated: 2026-02-01. Review status: criteria provided, single submitter. Criteria: Invitae Variant Classification Sherloc (09022015). Collection method: clinical testing. Allele origin: germline.

Mayo Clinic Laboratories, Mayo Clinic
Classification: Benign. Last evaluated: 2025-06-24. Review status: criteria provided, single submitter. Criteria: ACMG Guidelines, 2015. Collection method: clinical testing. Allele origin: germline. Observed: 8 variant alleles.
Comment: BS1, BS2

Fulgent Genetics
Classification: Likely benign for Mitochondrial DNA deletion syndrome with progressive myopathy; Seckel syndrome 8. Last evaluated: 2021-10-27. Review status: criteria provided, single submitter. Criteria: ACMG Guidelines, 2015. Collection method: clinical testing. Allele origin: unknown.

GeneDx
Classification: Benign. Last evaluated: 2016-02-23. Review status: criteria provided, single submitter. Criteria: GeneDx Variant Classification (06012015). Collection method: clinical testing. Allele origin: germline. Affected: yes.
Comment: This variant is considered likely benign or benign based on one or more of the following criteria: it is a conservative change, it occurs at a poorly conserved position in the protein, it is predicted to be benign by multiple in silico algorithms, and/or has population frequency not consistent with disease.

PreventionGenetics, part of Exact Sciences
Classification: Benign for DNA2-related condition. Last evaluated: 2019-06-06. Review status: no assertion criteria provided. Collection method: clinical testing. Allele origin: germline. Not counted in ClinVar's aggregate classification.
Comment: This variant is classified as benign based on ACMG/AMP sequence variant interpretation guidelines (Richards et al. 2015 PMID: 25741868, with internal and published modifications).